The following is an entry in ClinVar:

NM_000094.4(COL7A1):c.6039_6056del (p.Gln2014_Leu2019del)

Gene: COL7A1 (collagen type VII alpha 1 chain; minus strand). Cytogenetic location: 3p21.31.
Variant type: Deletion.
Coding change: c.6039_6056del on transcript NM_000094.4 (MANE Select); coding-DNA positions 6039 to 6056, 18 bases deleted (TCAGGGGCCACCTGGTCT).
Protein change: p.Gln2014_Leu2019del.
Molecular consequence: inframe indel (on NM_000094.3).
Genome position (GRCh38, 1-based): chr3:48,575,463-48,575,480, AGACCAGGTGGCCCCTGA deleted on the plus strand (TCAGGGGCCACCTGGTCT on the coding strand, the reverse complement: COL7A1 is on the minus strand). VCF-style (leftmost placement, unchanged base first): chr3-48575462-CAGACCAGGTGGCCCCTGA-C. GRCh37 (hg19) VCF-style: chr3-48612895-CAGACCAGGTGGCCCCTGA-C.
Other names: c.6039_6056del18, p.Gln2014_Leu2019del (NM_000094.3).
Identifiers: ClinVar variation 3377514 (VCV003377514.1).

ClinVar aggregate classification (germline): Uncertain significance (1 of 4 stars; one submission).

Conditions:
Recessive dystrophic epidermolysis bullosa (RDEB). Also called: DYSTROPHIC EPIDERMOLYSIS BULLOSA, AUTOSOMAL RECESSIVE; EPIDERMOLYSIS BULLOSA DYSTROPHICA, HALLOPEAU-SIEMENS TYPE; Hallopeau-Siemens Disease; EPIDERMOLYSIS BULLOSA DYSTROPHICA, GENERALIZED SEVERE, AUTOSOMAL RECESSIVE; epidermolysis bullosa dystrophica, autosomal recessive; Recessive DEB (RDEB). Identifiers: Orphanet 79408, Orphanet 79409, MedGen C0079474, MONDO:0009179, OMIM 226600.

Submission:

Victorian Clinical Genetics Services, Murdoch Childrens Research Institute
Classification: Uncertain significance for Recessive dystrophic epidermolysis bullosa. Last evaluated: 2022-06-24. Review status: criteria provided, single submitter. Criteria: ACMG Guidelines, 2015. Collection method: clinical testing. Allele origin: germline. Affected: yes.
Comment: Based on the classification scheme VCGS_Germline_v1.3.4, this variant is classified as VUS-3A. Following criteria are met: 0103 - Dominant negative and loss of function are known mechanisms of disease in this gene and are associated with epidermolysis bullosa (OMIM, PMID: 31670143). (I) 0108 - This gene is associated with both recessive and dominant disease. The spectrum of epidermolysis bullosa associated with this gene can be either dominant or recessive. Dominant inheritance is typically associated with milder phenotypes, whereas recessive inheritance is usually observed in more severe cases (OMIM). (I) 0115 - Variants in this gene are known to have variable expressivity. Severity ranges from involving only nails to generalized and severe blistering and scarring (PMID: 31670143). (I) 0214 - In-frame deletion fully contained in a repetitive region that has high conservation. (SP) 0251 - This variant is heterozygous. (I) 0301 - Variant is absent from gnomAD (both v2 and v3). (SP) 0601 - Variant affects the well-established functional Gly-X-Y motif within a collagen repeat domain (DECIPHER). (SP) 0705 - No comparable in frame deletion variants have previous evidence for pathogenicity. (I) 0807 - This variant has no previous evidence of pathogenicity. (I) 0905 - No published segregation evidence has been identified for this variant. (I) 1007 - No published functional evidence has been identified for this variant. (I) 1208 - Inheritance information for this variant is not currently available in this individual. (I) Legend: (SP) - Supporting pathogenic, (I) - Information, (SB) - Supporting benign

Literature cited by the submitters: PubMed 31670143.